The following is an entry in ClinVar:

ClinVar aggregate classification (germline): Benign/Likely benign. Review status: criteria provided, multiple submitters, no conflicts (2 of 4 stars). 6 submissions from 6 submitters: Benign (2); Likely benign (4). Last evaluated 2026-01-17.

Conditions:
Hereditary cancer-predisposing syndrome. Also called: Tumor predisposition; Neoplastic Syndromes, Hereditary; Hereditary Cancer Syndrome; Hereditary neoplastic syndrome. Identifiers: Orphanet 140162, MedGen C0027672, MeSH D009386, MONDO:0015356.
Tuberous sclerosis syndrome (TSC). Also called: Tuberous Sclerosis Complex; Tuberous sclerosis. Identifiers: Orphanet 805, MedGen C0041341, MONDO:0001734.
Tuberous sclerosis 2 (TSC2). Identifiers: Orphanet 805, MedGen C1860707, MONDO:0013199, OMIM 613254.

Allele frequency attached by ClinVar (database versions not stated): gnomAD exomes below 0.00001; TOPMed below 0.00001.
gnomAD v4.1: 1 of 1,611,570 alleles (0.000062%); highest among the groups gnomAD compares: Non-Finnish European, 0.000085%; no homozygotes.

Submissions (6):

Labcorp Genetics (formerly Invitae), Labcorp
Classification: Likely benign for Tuberous sclerosis 2. Last evaluated: 2026-01-17. Review status: criteria provided, single submitter. Criteria: Invitae Variant Classification Sherloc (09022015). Collection method: clinical testing. Allele origin: germline.

Myriad Genetics, Inc.
Classification: Benign for Tuberous sclerosis 2. Last evaluated: 2025-05-28. Review status: criteria provided, single submitter. Criteria: Myriad Autosomal Dominant, Autosomal Recessive and X-Linked Classification Criteria (2023). Collection method: clinical testing. Allele origin: unknown.
Comment: This variant is considered benign. This variant is a silent/synonymous amino acid change and it is not expected to impact splicing.

Color Diagnostics, LLC DBA Color Health
Classification: Likely benign for Tuberous sclerosis syndrome. Last evaluated: 2023-07-26. Review status: criteria provided, single submitter. Criteria: ACMG Guidelines, 2015. Collection method: clinical testing. Allele origin: germline.

Genome-Nilou Lab
Classification: Benign for Tuberous sclerosis 2. Last evaluated: 2021-11-07. Review status: criteria provided, single submitter. Criteria: ACMG Guidelines, 2015. Collection method: clinical testing. Allele origin: germline. Affected: no.

Sema4
Classification: Likely benign for Hereditary cancer-predisposing syndrome. Last evaluated: 2021-07-30. Review status: criteria provided, single submitter. Criteria: Sema4 Curation Guidelines. Collection method: curation. Allele origin: germline.

Ambry Genetics
Classification: Likely benign for Hereditary cancer-predisposing syndrome. Last evaluated: 2016-09-01. Review status: criteria provided, single submitter. Criteria: Ambry Variant Classification Scheme 2023. Collection method: clinical testing. Allele origin: germline.

NM_000548.5(TSC2):c.3330C>G (p.Ala1110=)

Gene: TSC2 (TSC complex subunit 2; plus strand). Cytogenetic location: 16p13.3.
Variant type: single nucleotide variant.
Coding change: c.3330C>G on transcript NM_000548.5 (MANE Select); coding-DNA position 3330, C replaced by G.
Protein change: p.Ala1110=; no amino-acid change (alanine 1110 retained).
Molecular consequence: synonymous variant.
Genome position (GRCh38, 1-based): chr16:2,079,602, C>G. VCF-style: chr16-2079602-C-G. GRCh37 (hg19) VCF-style: chr16-2129603-C-G.
Other names: c.3198C>G, p.Ala1066= (NM_001077183.3, NM_001370404.1); c.3330C>G, p.Ala1110= (NM_001114382.3); c.3090C>G, p.Ala1030= (NM_001318827.2); c.3054C>G, p.Ala1018= (NM_001318829.2); c.2598C>G, p.Ala866= (NM_001318831.2); c.3231C>G, p.Ala1077= (NM_001318832.2); c.3201C>G, p.Ala1067= (NM_001363528.2, NM_001370405.1, NM_021055.3).
Identifiers: ClinVar variation 486605 (VCV000486605.20), dbSNP rs1555510912, ClinGen allele CA492955272.